The following is an entry in ClinVar:

ClinVar aggregate classification (germline): Uncertain significance (1 of 4 stars; one submission).

Conditions:
Inborn genetic diseases. Identifiers: MedGen C0950123, MeSH D030342.

Submission:

Ambry Genetics
Classification: Uncertain significance for Inborn genetic diseases. Last evaluated: 2023-10-26. Review status: criteria provided, single submitter. Criteria: Ambry Variant Classification Scheme 2023. Collection method: clinical testing. Allele origin: germline.
Comment: The c.1431_1436dupGAAACA (p.K478_Q479dup) alteration is located in exon 12 (coding exon 12) of the HEXB gene. The alteration consists of an in-frame duplication of 6 nucleotides from position 1431 to 1436, resulting in the duplication of <NA> residues. Based on insufficient or conflicting evidence, the clinical significance of this alteration remains unclear.

NM_000521.4(HEXB):c.1425GAAACA[3] (p.Gln479_Leu480insLysGln)

Gene: HEXB (hexosaminidase subunit beta; plus strand). Cytogenetic location: 5q13.3.
Variant type: Microsatellite.
Coding change: c.1425GAAACA[3] on transcript NM_000521.4 (MANE Select); three copies in a row of the 6-base unit GAAACA starting at c.1425; the reference has two copies in a row; one copy, 6 bases duplicated.
Protein change: p.Gln479_Leu480insLysGln.
Molecular consequence: inframe insertion.
Genome position (GRCh38, 1-based): chr5:74,720,441-74,720,446, GAAACA duplicated; duplicating any 6 consecutive bases within chr5:74,720,433-74,720,446 gives the same sequence; the position shown is the placement nearest the transcript's 3' end. VCF-style (leftmost placement, unchanged base first): chr5-74720432-T-TCAGAAA. GRCh37 (hg19) VCF-style: chr5-74016257-T-TCAGAAA.
Other names: c.750GAAACA[3], p.Gln254_Leu255insLysGln (NM_001292004.2).
Identifiers: ClinVar variation 3105530 (VCV003105530.1), dbSNP rs750595127, ClinGen allele CA3306151.